The following is an entry in ClinVar:

NM_005359.6(SMAD4):c.569C>T (p.Ala190Val)

Gene: SMAD4 (SMAD family member 4; plus strand). Cytogenetic location: 18q21.2.
Variant type: single nucleotide variant.
Coding change: c.569C>T on transcript NM_005359.6 (MANE Select); coding-DNA position 569, C replaced by T.
Protein change: p.Ala190Val; replaces alanine 190 with valine.
Molecular consequence: missense variant.
Genome position (GRCh38, 1-based): chr18:51,054,895, C>T. VCF-style: chr18-51054895-C-T. GRCh37 (hg19) VCF-style: chr18-48581265-C-T.
Other names: short protein forms A190V.
Identifiers: ClinVar variation 926619 (VCV000926619.4), dbSNP rs1909799016, ClinGen allele CA402461003.
Genomic context (GRCh38, chr18:51,054,895, plus strand): 5'-CATCGTTGTCCACTGAAGGACATTCAATTCAAACCATCCAGCATCCACCAAGTAATCGTG[C>T]ATCGACAGAGACATACAGCACCCCAGCTCTGTTAGCCCCATCTGAGTCTAATGCTACCAG-3'
Protein context (NP_005350.1, residues 180-200): QTIQHPPSNR[Ala190Val]STETYSTPAL

ClinVar aggregate classification (germline): Uncertain significance. Review status: criteria provided, multiple submitters, no conflicts (2 of 4 stars). 2 submissions from 2 submitters: Uncertain significance (2). Last evaluated 2025-04-10.

Conditions:
Hereditary cancer-predisposing syndrome. Also called: Neoplastic Syndromes, Hereditary; Tumor predisposition; Hereditary Cancer Syndrome; Hereditary neoplastic syndrome. Identifiers: Orphanet 140162, MedGen C0027672, MeSH D009386, MONDO:0015356.
Familial thoracic aortic aneurysm and aortic dissection (TAAD). Also called: Thoracic aortic aneurysms and dissections. Identifiers: Orphanet 91387, MedGen C4707243, MONDO:0019625.

Submissions (2):

Ambry Genetics
Classification: Uncertain significance for Hereditary cancer-predisposing syndrome; Familial thoracic aortic aneurysm and aortic dissection. Last evaluated: 2025-04-10. Review status: criteria provided, single submitter. Criteria: Ambry Variant Classification Scheme 2023. Collection method: clinical testing. Allele origin: germline.
Comment: The p.A190V variant (also known as c.569C>T), located in coding exon 4 of the SMAD4 gene, results from a C to T substitution at nucleotide position 569. The alanine at codon 190 is replaced by valine, an amino acid with similar properties. This amino acid position is conserved. In addition, this alteration is predicted to be tolerated by in silico analysis. Based on the available evidence, the clinical significance of this variant remains unclear.

Color Diagnostics, LLC DBA Color Health
Classification: Uncertain significance for Hereditary cancer-predisposing syndrome. Last evaluated: 2019-08-15. Review status: criteria provided, single submitter. Criteria: ACMG Guidelines, 2015. Collection method: clinical testing. Allele origin: germline.
Comment: This missense variant replaces alanine with valine at codon 190 of the SMAD4 protein. Computational prediction tools and conservation analyses are inconclusive regarding the impact of this variant on the protein function. Computational splicing tools suggest that this variant may not impact RNA splicing. To our knowledge, functional assays have not been performed for this variant nor has this variant been reported in individuals affected with hereditary cancer in the literature. This variant has not been identified in the general population by the Genome Aggregation Database (gnomAD). Available evidence is insufficient to determine the role of this variant in disease conclusively. Therefore, this variant is classified as a Variant of Uncertain Significance.